The following is an entry in ClinVar:

ClinVar aggregate classification (germline): Pathogenic (1 of 4 stars; one submission).

Conditions:
Hereditary breast ovarian cancer syndrome. Also called: BRCA1- and BRCA2-Associated Hereditary Breast and Ovarian Cancer; Breast and ovarian cancer; Hereditary breast and ovarian cancer syndrome (HBOC); Hereditary breast and ovarian cancer syndrome; Hereditary breast and/or ovarian cancer syndrome; Hereditary breast and ovarian cancer. Identifiers: Orphanet 145, MedGen C0677776, MeSH D061325, MONDO:0003582. Disease mechanism: loss of function.

Submission:

Labcorp Genetics (formerly Invitae), Labcorp
Classification: Pathogenic for Hereditary breast ovarian cancer syndrome. Last evaluated: 2024-05-22. Review status: criteria provided, single submitter. Criteria: Invitae Variant Classification Sherloc (09022015). Collection method: clinical testing. Allele origin: germline.
Comment: This sequence change creates a premature translational stop signal (p.Ile1957Tyrfs*3) in the BRCA2 gene. It is expected to result in an absent or disrupted protein product. Loss-of-function variants in BRCA2 are known to be pathogenic (PMID: 20104584). This variant is not present in population databases (gnomAD no frequency). This variant has not been reported in the literature in individuals affected with BRCA2-related conditions. For these reasons, this variant has been classified as Pathogenic.

Literature cited by the submitters: PubMed 20104584.

NM_000059.4(BRCA2):c.5868dup (p.Ile1957fs)

Gene: BRCA2 (BRCA2 DNA repair associated; plus strand). Cytogenetic location: 13q13.1.
Variant type: Duplication.
Coding change: c.5868dup on transcript NM_000059.4 (MANE Select); coding-DNA position 5868, one base duplicated (T; older notation c.5868dupT).
Protein change: p.Ile1957fs; shifts the reading frame from isoleucine 1957.
Molecular consequence: frameshift variant. On other transcripts: non-coding transcript variant (1), intron variant (2).
Genome position (GRCh38, 1-based): chr13:32,340,223, T duplicated. VCF-style (leftmost placement, unchanged base first): chr13-32340222-A-AT. GRCh37 (hg19) VCF-style: chr13-32914359-A-AT.
Other names: c.5868dup, p.Ile1957fs (NM_001406719.1, NM_001406720.1, NM_001432077.1); c.1910-4335dup (NM_001406721.1); c.425-4335dup (NM_001406722.1); short protein forms I1957fs.
Identifiers: ClinVar variation 3654168 (VCV003654168.2).